The following is an entry in ClinVar:

NM_020158.4(EXOSC5):c.119G>A (p.Arg40Gln)

Gene: EXOSC5 (exosome component 5; minus strand). Cytogenetic location: 19q13.2.
Variant type: single nucleotide variant.
Coding change: c.119G>A on transcript NM_020158.4 (MANE Select); coding-DNA position 119, G replaced by A.
Protein change: p.Arg40Gln; replaces arginine 40 with glutamine.
Molecular consequence: missense variant.
Genome position (GRCh38, 1-based): chr19:41,397,210, C>T on the plus strand (G>A on the coding strand, the complement: EXOSC5 is on the minus strand). VCF-style: chr19-41397210-C-T. GRCh37 (hg19) VCF-style: chr19-41903115-C-T.
Other names: short protein forms R40Q.
Identifiers: ClinVar variation 4886147 (VCV004886147.2).

ClinVar aggregate classification (germline): Uncertain significance (1 of 4 stars; one submission).

Submission:

Dasa
Classification: Uncertain significance. Last evaluated: 2026-02-22. Review status: criteria provided, single submitter. Criteria: DASA Assertion Criteria. Collection method: clinical testing. Allele origin: germline.
Comment: NM_020158.4(EXOSC5):c.119G>A (p.Arg40Gln) is a missense variant that results in the substitution of arginine with glutamine. This variant has been observed in affected individuals with EXOSC5-related disorders. Also, this variant is rare in population databases. The currently available literature and clinical evidence are not sufficient to establish a definitive association between this variant and the reported condition. Therefore, this variant is classified as a variant of uncertain significance.